The following is an entry in ClinVar:

NM_138694.4(PKHD1):c.8798-468C>T

Gene: PKHD1 (PKHD1 ciliary IPT domain containing fibrocystin/polyductin; minus strand). Cytogenetic location: 6p12.3.
Variant type: single nucleotide variant.
Coding change: c.8798-468C>T on transcript NM_138694.4 (MANE Select); 468 bases into the intron before coding-DNA position 8798, C replaced by T.
Molecular consequence: intron variant.
Genome position (GRCh38, 1-based): chr6:51,753,821, G>A on the plus strand (C>T on the coding strand, the complement: PKHD1 is on the minus strand). VCF-style: chr6-51753821-G-A. GRCh37 (hg19) VCF-style: chr6-51618619-G-A.
Other names: c.8798-468C>T (NM_170724.3).
Identifiers: ClinVar variation 3031510 (VCV003031510.2), dbSNP rs529792315, ClinGen allele CA138899286.
Genomic context (GRCh38, chr6:51,753,821, plus strand): 5'-ACTGAGGCAGTGACAGAGCAAAAGCAGCTGTGTGTAAAAGGAAAGCGAGAAGCAGCACCA[G>A]GCAGCAGCAGCGCCCTCTCATGGTGGATCTTCCACTCATCACGGCCTGAACAGCTTCCAC-3'

ClinVar aggregate classification (germline): Likely benign (0 of 4 stars; one submission).

Conditions:
PKHD1-related disorder. Also called: PKHD1-related condition.

Allele frequency attached by ClinVar (database versions not stated): 1000 Genomes Project 30x 0.00016; gnomAD 0.00016; 1000 Genomes Project 0.00020.
gnomAD v4.1: 24 of 152,306 alleles (0.016%); highest among the groups gnomAD compares: African/African-American, 0.055%; no homozygotes.

Submission:

PreventionGenetics, part of Exact Sciences
Classification: Likely benign for PKHD1-related condition. Last evaluated: 2023-03-27. Review status: no assertion criteria provided. Collection method: clinical testing. Allele origin: germline.
Comment: This variant is classified as likely benign based on ACMG/AMP sequence variant interpretation guidelines (Richards et al. 2015 PMID: 25741868, with internal and published modifications).